The following is an entry in ClinVar:

ClinVar aggregate classification (germline): Pathogenic (1 of 4 stars; one submission).

Conditions:
Hereditary diffuse gastric adenocarcinoma (HDGC). Also called: DIFFUSE GASTRIC AND LOBULAR BREAST CANCER SYNDROME. Identifiers: Orphanet 26106, MedGen C1708349, MONDO:0007648, OMIM 137215.

Submission:

Labcorp Genetics (formerly Invitae), Labcorp
Classification: Pathogenic for Hereditary diffuse gastric adenocarcinoma. Last evaluated: 2024-02-17. Review status: criteria provided, single submitter. Criteria: Invitae Variant Classification Sherloc (09022015). Collection method: clinical testing. Allele origin: germline.
Comment: This sequence change creates a premature translational stop signal (p.Pro3Argfs*32) in the CDH1 gene. It is expected to result in an absent or disrupted protein product. Loss-of-function variants in CDH1 are known to be pathogenic (PMID: 15235021, 20373070). This variant is not present in population databases (gnomAD no frequency). This variant has not been reported in the literature in individuals affected with CDH1-related conditions. For these reasons, this variant has been classified as Pathogenic.

Literature cited by the submitters: PubMed 15235021; PubMed 20373070.

NM_004360.5(CDH1):c.4_7dup (p.Pro3fs)

Gene: CDH1 (cadherin 1; plus strand). Cytogenetic location: 16q22.1.
Variant type: Duplication.
Coding change: c.4_7dup on transcript NM_004360.5 (MANE Select); coding-DNA positions 4 to 7, 4 bases duplicated (GGCC; older notation c.4_7dupGGCC).
Protein change: p.Pro3fs; shifts the reading frame from proline 3.
Molecular consequence: frameshift variant. On other transcripts: 5 prime UTR variant (2).
Genome position (GRCh38, 1-based): chr16:68,737,419-68,737,422, GGCC duplicated. VCF-style (leftmost placement, unchanged base first): chr16-68737418-G-GGGCC. GRCh37 (hg19) VCF-style: chr16-68771321-G-GGGCC.
Other names: c.4_7dup, p.Pro3fs (NM_001317184.2); c.-1612_-1609dup (NM_001317185.2); c.-1816_-1813dup (NM_001317186.2); short protein forms P3fs.
Identifiers: ClinVar variation 3641633 (VCV003641633.2).